The following is an entry in ClinVar:

ClinVar aggregate classification (germline): Uncertain significance (1 of 4 stars; one submission).

Submission:

GeneDx
Classification: Uncertain significance. Last evaluated: 2023-12-16. Review status: criteria provided, single submitter. Criteria: GeneDx Variant Classification Process June 2021. Collection method: clinical testing. Allele origin: germline. Affected: yes.
Comment: Not observed at significant frequency in large population cohorts (gnomAD); In silico analysis supports that this missense variant has a deleterious effect on protein structure/function; Has not been previously published as pathogenic or benign to our knowledge

NM_015107.3(PHF8):c.1946C>G (p.Ser649Cys)

Gene: PHF8 (PHD finger protein 8; minus strand). Cytogenetic location: Xp11.22.
Variant type: single nucleotide variant.
Coding change: c.1946C>G on transcript NM_015107.3 (MANE Select); coding-DNA position 1946, C replaced by G.
Protein change: p.Ser649Cys; replaces serine 649 with cysteine.
Molecular consequence: missense variant.
Genome position (GRCh38, 1-based): chrX:53,987,127, G>C on the plus strand (C>G on the coding strand, the complement: PHF8 is on the minus strand). VCF-style: chrX-53987127-G-C. GRCh37 (hg19) VCF-style: chrX-54013560-G-C.
Other names: c.2054C>G, p.Ser685Cys (NM_001184896.1); c.1643C>G, p.Ser548Cys (NM_001184897.2); c.1946C>G, p.Ser649Cys (NM_001184898.2); short protein forms S548C, S649C, S685C.
Identifiers: ClinVar variation 3369936 (VCV003369936.1).